The following is an entry in ClinVar:

ClinVar aggregate classification (germline): Likely pathogenic (1 of 4 stars; one submission).

Conditions:
Congenital contractural arachnodactyly (CCA). Also called: BEALS SYNDROME; Arthrogryposis, distal, type 9; Beals-Hecht syndrome. Identifiers: Orphanet 115, MedGen C0220668, MONDO:0007363, OMIM 121050.

Submission:

3billion
Classification: Likely pathogenic for Congenital contractural arachnodactyly. Last evaluated: 2025-08-30. Review status: criteria provided, single submitter. Criteria: ACMG Guidelines, 2015. Collection method: clinical testing. Allele origin: germline. Affected: yes.
Comment: The variant is not observed in the gnomAD v4.1.0 dataset. Predicted Consequence/Location: The variant is located in a mutational hot spot and/or well-established functional domain in which established pathogenic variants have been reported (PMID: 35360850, 17345643). In silico tool predictions suggest damaging effect of the variant on gene or gene product [REVEL: 0.85 (>=0.6, sensitivity 0.68 and specificity 0.92)]. Different missense changes at the same codon (p.Asn1091His, p.Asn1091Ser) have been reported to be associated with FBN2-related disorder (PMID: 19006240, 31316167). Therefore, this variant is classified as Likely pathogenic according to the recommendation of ACMG/AMP guideline.

Literature cited by the submitters: PubMed 19006240.

NM_001999.4(FBN2):c.3271A>T (p.Asn1091Tyr)

Gene: FBN2 (fibrillin 2; minus strand). Cytogenetic location: 5q23.3.
Variant type: single nucleotide variant.
Coding change: c.3271A>T on transcript NM_001999.4 (MANE Select); coding-DNA position 3271, A replaced by T.
Protein change: p.Asn1091Tyr; replaces asparagine 1091 with tyrosine.
Molecular consequence: missense variant.
Genome position (GRCh38, 1-based): chr5:128,344,457, T>A on the plus strand (A>T on the coding strand, the complement: FBN2 is on the minus strand). VCF-style: chr5-128344457-T-A. GRCh37 (hg19) VCF-style: chr5-127680149-T-A.
Other names: short protein forms N1091Y.
Identifiers: ClinVar variation 4855287 (VCV004855287.1).
Genomic context (GRCh38, chr5:128,344,457, plus strand): 5'-TTTCCTCCATGTCTAGAGCAAAGCCACTATTGCAACGGCATTTGAAGCTTCCGATTGTAT[T>A]TCTGCACTTCCCATAAGTGCACATCCCAGGAAATGCTTTGCATTCATTGATGTCTAAAAG-3'
Protein context (NP_001990.2, residues 1081-1101): PGMCTYGKCR[Asn1091Tyr]TIGSFKCRCN